The following is an entry in ClinVar:

NM_000138.5(FBN1):c.7732C>A (p.Gln2578Lys)

Gene: FBN1 (fibrillin 1; minus strand). Cytogenetic location: 15q21.1.
Variant type: single nucleotide variant.
Coding change: c.7732C>A on transcript NM_000138.5 (MANE Select); coding-DNA position 7732, C replaced by A.
Protein change: p.Gln2578Lys; replaces glutamine 2578 with lysine.
Molecular consequence: missense variant.
Genome position (GRCh38, 1-based): chr15:48,420,774, G>T on the plus strand (C>A on the coding strand, the complement: FBN1 is on the minus strand). VCF-style: chr15-48420774-G-T. GRCh37 (hg19) VCF-style: chr15-48712971-G-T.
Other names: c.7732C>A, p.Gln2578Lys (NM_001406716.1); short protein forms Q2578K.
Identifiers: ClinVar variation 1982904 (VCV001982904.5), dbSNP rs765942432, ClinGen allele CA059136.

ClinVar aggregate classification (germline): Conflicting classifications of pathogenicity. Review status: criteria provided, conflicting classifications (1 of 4 stars). 2 submissions from 2 submitters: Pathogenic (1); Uncertain significance (1). Last evaluated 2026-04-13.

Conditions:
Marfan syndrome (MFS). Also called: Marfan syndrome type 1; Marfan's syndrome; FBN1-Related Marfan Syndrome; MARFAN SYNDROME, TYPE I; Marfan syndrome, classic. Identifiers: Orphanet 284963, Orphanet 558, MedGen C0024796, MONDO:0007947, OMIM 154700.
Familial thoracic aortic aneurysm and aortic dissection (TAAD). Also called: Thoracic aortic aneurysms and dissections. Identifiers: Orphanet 91387, MedGen C4707243, MONDO:0019625.

Allele frequency attached by ClinVar (database versions not stated): ExAC 0.00001; gnomAD exomes below 0.00001.
gnomAD v4.1: 1 of 1,614,080 alleles (0.000062%); highest among the groups gnomAD compares: Non-Finnish European, 0.000085%; no homozygotes.

Submissions (2):

GeneDx
Classification: Uncertain significance. Last evaluated: 2026-04-13. Review status: criteria provided, single submitter. Criteria: GeneDx Variant Classification Process June 2021. Collection method: clinical testing. Allele origin: germline.
Comment: Reported as de novo in a patient with a systemic score of 10 and neuromotor delay but no history of ectopia lentis or aortic disease (PMID: 33483584); Not observed at significant frequency in large population cohorts (gnomAD); Does not affect a cysteine or calcium-binding residue within an EGF-like domain or a TGF-binding protein domain of the FBN1 gene; cysteine substitutions in the EGF-like domains represent the majority of pathogenic missense changes associated with FBN1-related disorders (PMID: 12938084); In silico analysis supports that this missense variant has a deleterious effect on protein structure/function; This variant is associated with the following publications: (PMID: 12938084, 38837338, 33483584)

Labcorp Genetics (formerly Invitae), Labcorp
Classification: Pathogenic for Marfan syndrome; Familial thoracic aortic aneurysm and aortic dissection. Last evaluated: 2024-02-23. Review status: criteria provided, single submitter. Criteria: Invitae Variant Classification Sherloc (09022015). Collection method: clinical testing. Allele origin: germline.
Comment: This sequence change replaces glutamine, which is neutral and polar, with lysine, which is basic and polar, at codon 2578 of the FBN1 protein (p.Gln2578Lys). This variant is present in population databases (rs765942432, gnomAD 0.0009%). This missense change has been observed in individual(s) with clinical features of FBN1-related conditions (PMID: 33483584). In at least one individual the variant was observed to be de novo. ClinVar contains an entry for this variant (Variation ID: 1982904). Advanced modeling of protein sequence and biophysical properties (such as structural, functional, and spatial information, amino acid conservation, physicochemical variation, residue mobility, and thermodynamic stability) performed at Invitae indicates that this missense variant is expected to disrupt FBN1 protein function with a positive predictive value of 95%. For these reasons, this variant has been classified as Pathogenic.

Literature cited by the submitters: PubMed 33483584 (cited by Labcorp Genetics (formerly Invitae), Labcorp).